The following is an entry in ClinVar:

NM_001113491.2(SEPTIN9):c.641C>T (p.Ala214Val)

Gene: SEPTIN9 (septin 9; plus strand). Cytogenetic location: 17q25.3.
Variant type: single nucleotide variant.
Coding change: c.641C>T on transcript NM_001113491.2 (MANE Select); coding-DNA position 641, C replaced by T.
Protein change: p.Ala214Val; replaces alanine 214 with valine.
Molecular consequence: missense variant.
Genome position (GRCh38, 1-based): chr17:77,402,623, C>T. VCF-style: chr17-77402623-C-T. GRCh37 (hg19) VCF-style: chr17-75398705-C-T.
Other names: c.149C>T, p.Ala50Val (NM_001113492.2, NM_001113494.1); c.620C>T, p.Ala207Val (NM_001113493.2); c.584C>T, p.Ala195Val (NM_001293695.2); c.587C>T, p.Ala196Val (NM_006640.5); c.587C>T (NM_006640.4); short protein forms A195V, A196V, A207V, A214V, A50V.
Identifiers: ClinVar variation 1682617 (VCV001682617.32), dbSNP rs200850474, ClinGen allele CA8793257.
Genomic context (GRCh38, chr17:77,402,623, plus strand): 5'-AGCCTGCTGAGGCGCCCACCGCCCCCAGCCCAGCCCAGACCTTGGAGAATTCAGAGCCTG[C>T]CCCTGTGTCTCAGCTGCAGAGCAGGCTGGAGCCCAAGCCCCAGCCCCCTGTGGCTGAGGC-3'
Protein context (NP_001106963.1, residues 204-224): PAQTLENSEP[Ala214Val]PVSQLQSRLE

ClinVar aggregate classification (germline): Conflicting classifications of pathogenicity. Review status: criteria provided, conflicting classifications (1 of 4 stars). 4 submissions from 4 submitters: Uncertain significance (2); Likely benign (2). Last evaluated 2025-10-22.

Conditions:
Inborn genetic diseases. Identifiers: MedGen C0950123, MeSH D030342.

Allele frequency attached by ClinVar (database versions not stated): ExAC 0.00001; gnomAD 0.00001; gnomAD exomes 0.00001; TOPMed 0.00002.
gnomAD v4.1: 13 of 1,612,998 alleles (0.00081%); highest among the groups gnomAD compares: Non-Finnish European, 0.0011%; no homozygotes.

Submissions (4):

Ambry Genetics
Classification: Uncertain significance for Inborn genetic diseases. Last evaluated: 2025-10-22. Review status: criteria provided, single submitter. Criteria: Ambry Variant Classification Scheme 2023. Collection method: clinical testing. Allele origin: germline.

Labcorp Genetics (formerly Invitae), Labcorp
Classification: Likely benign. Last evaluated: 2025-05-17. Review status: criteria provided, single submitter. Criteria: Invitae Variant Classification Sherloc (09022015). Collection method: clinical testing. Allele origin: germline.

CeGaT Center for Human Genetics Tuebingen
Classification: Likely benign. Last evaluated: 2023-10-01. Review status: criteria provided, single submitter. Criteria: CeGaT Center For Human Genetics Tuebingen Variant Classification Criteria Version 2. Collection method: clinical testing. Allele origin: germline. Affected: yes. Observed: 1 variant allele.
Comment: SEPTIN9: BP4

GeneDx
Classification: Uncertain significance. Last evaluated: 2022-09-16. Review status: criteria provided, single submitter. Criteria: GeneDx Variant Classification Process June 2021. Collection method: clinical testing. Allele origin: germline. Affected: yes.
Comment: Not observed at significant frequency in large population cohorts (gnomAD); In silico analysis supports that this missense variant does not alter protein structure/function; Has not been previously published as pathogenic or benign to our knowledge